The following is an entry in ClinVar:

ClinVar aggregate classification (germline): Uncertain significance (1 of 4 stars; one submission).

Conditions:
Inborn genetic diseases. Identifiers: MedGen C0950123, MeSH D030342.

Allele frequency attached by ClinVar (database versions not stated): gnomAD exomes below 0.00001.
gnomAD v4.1: 1 of 1,497,618 alleles (0.000067%); highest among the groups gnomAD compares: Non-Finnish European, 0.000089%; no homozygotes.

Submission:

Ambry Genetics
Classification: Uncertain significance for Inborn genetic diseases. Last evaluated: 2024-02-02. Review status: criteria provided, single submitter. Criteria: Ambry Variant Classification Scheme 2023. Collection method: clinical testing. Allele origin: germline.
Comment: The c.4486+1G>A intronic variant results from a G to A substitution one nucleotide after coding exon 20 of the RERE gene. Alterations that disrupt the canonical splice site are expected to result in aberrant splicing; however, the exact functional effect of the altered amino acid sequence is unknown. This variant was not reported in population-based cohorts in the Genome Aggregation Database (gnomAD). This nucleotide position is highly conserved in available vertebrate species. In silico splice site analysis predicts that this alteration will weaken the native splice donor site. Based on insufficient or conflicting evidence, the clinical significance of this alteration remains unclear.

NM_001042681.2(RERE):c.4486+1G>A

Gene: RERE (arginine-glutamic acid dipeptide repeats; minus strand). Cytogenetic location: 1p36.23.
Variant type: single nucleotide variant.
Coding change: c.4486+1G>A on transcript NM_001042681.2 (MANE Select); the canonical splice donor site of the intron after coding-DNA position 4486, G replaced by A.
Molecular consequence: splice donor variant.
Genome position (GRCh38, 1-based): chr1:8,356,099, C>T on the plus strand (G>A on the coding strand, the complement: RERE is on the minus strand). VCF-style: chr1-8356099-C-T. GRCh37 (hg19) VCF-style: chr1-8416159-C-T.
Other names: c.4486+1G>A (NM_012102.4); c.2824+1G>A (NM_001042682.2).
Identifiers: ClinVar variation 3153021 (VCV003153021.1), dbSNP rs2522680084, ClinGen allele CA338168383.